The following is an entry in ClinVar:

ClinVar aggregate classification (germline): Uncertain significance. Review status: criteria provided, multiple submitters, no conflicts (2 of 4 stars). 4 submissions from 4 submitters: Uncertain significance (4). Last evaluated 2025-12-22.

Conditions:
Inborn genetic diseases. Identifiers: MedGen C0950123, MeSH D030342.

Allele frequency attached by ClinVar (database versions not stated): gnomAD exomes 0.00001; gnomAD 0.00003; TOPMed 0.00005.
gnomAD v4.1: 10 of 1,611,966 alleles (0.00062%); highest among the groups gnomAD compares: Admixed American, 0.012%; no homozygotes.

Submissions (4):

GeneDx
Classification: Uncertain significance. Last evaluated: 2025-12-22. Review status: criteria provided, single submitter. Criteria: GeneDx Variant Classification Process June 2021. Collection method: clinical testing. Allele origin: germline.
Comment: Occurs in the triple helical domain at the X position in the canonical Gly-X-Y repeat; although this variant may have an effect on normal protein folding and function, missense substitution at the X position is not a common mechanism of disease; In silico analysis suggests that this missense variant does not alter protein structure/function; Has not been previously published as pathogenic or benign to our knowledge

Labcorp Genetics (formerly Invitae), Labcorp
Classification: Uncertain significance. Last evaluated: 2025-10-28. Review status: criteria provided, single submitter. Criteria: Invitae Variant Classification Sherloc (09022015). Collection method: clinical testing. Allele origin: germline.
Comment: This sequence change replaces serine, which is neutral and polar, with tyrosine, which is neutral and polar, at codon 1226 of the COL4A1 protein (p.Ser1226Tyr). The frequency data for this variant in the population databases is considered unreliable, as metrics indicate poor data quality at this position in the gnomAD database. This variant has not been reported in the literature in individuals affected with COL4A1-related conditions. ClinVar contains an entry for this variant (Variation ID: 2887638). Invitae Evidence Modeling of protein sequence and biophysical properties (such as structural, functional, and spatial information, amino acid conservation, physicochemical variation, residue mobility, and thermodynamic stability) indicates that this missense variant is not expected to disrupt COL4A1 protein function with a negative predictive value of 95%. In summary, the available evidence is currently insufficient to determine the role of this variant in disease. Therefore, it has been classified as a Variant of Uncertain Significance.

Ambry Genetics
Classification: Uncertain significance for Inborn genetic diseases. Last evaluated: 2024-08-20. Review status: criteria provided, single submitter. Criteria: Ambry Variant Classification Scheme 2023. Collection method: clinical testing. Allele origin: germline.

Blueprint Genetics
Classification: Uncertain significance. Last evaluated: 2019-11-30. Review status: criteria provided, single submitter. Criteria: ACMG Guidelines, 2015. Collection method: clinical testing. Allele origin: germline.

NM_001845.6(COL4A1):c.3677C>A (p.Ser1226Tyr)

Gene: COL4A1 (collagen type IV alpha 1 chain; minus strand). Cytogenetic location: 13q34.
Variant type: single nucleotide variant.
Coding change: c.3677C>A on transcript NM_001845.6 (MANE Select); coding-DNA position 3677, C replaced by A.
Protein change: p.Ser1226Tyr; replaces serine 1226 with tyrosine.
Molecular consequence: missense variant.
Genome position (GRCh38, 1-based): chr13:110,170,612, G>T on the plus strand (C>A on the coding strand, the complement: COL4A1 is on the minus strand). VCF-style: chr13-110170612-G-T. GRCh37 (hg19) VCF-style: chr13-110822959-G-T.
Other names: c.3677C>A (NM_001845.4); short protein forms S1226Y.
Identifiers: ClinVar variation 2887638 (VCV002887638.6), dbSNP rs1035844498, ClinGen allele CA256251562.